The following is an entry in ClinVar:

NM_004385.5(VCAN):c.9194C>T (p.Thr3065Ile)

Genes: VCAN (versican; plus strand), VCAN-AS1 (VCAN antisense RNA 1; minus strand). Cytogenetic location: 5q14.3.
Variant type: single nucleotide variant.
Coding change: c.9194C>T on transcript NM_004385.5 (MANE Select); coding-DNA position 9194, C replaced by T.
Protein change: p.Thr3065Ile; replaces threonine 3065 with isoleucine.
Molecular consequence: missense variant. On other transcripts: intron variant (2).
Genome position (GRCh38, 1-based): chr5:83,542,197, C>T. VCF-style: chr5-83542197-C-T. GRCh37 (hg19) VCF-style: chr5-82838016-C-T.
Other names: c.6233C>T, p.Thr2078Ile (NM_001164097.2); c.4004-3340C>T (NM_001164098.2); c.1043-3340C>T (NM_001126336.3); short protein forms T3065I, T2078I.
Identifiers: ClinVar variation 862951 (VCV000862951.10), dbSNP rs749179761, ClinGen allele CA3333929.

ClinVar aggregate classification (germline): Uncertain significance (1 of 4 stars; one submission).

Allele frequency attached by ClinVar (database versions not stated): gnomAD exomes below 0.00001 and 0.00001; ExAC 0.00001; gnomAD 0.00001; TOPMed 0.00001.
gnomAD v4.1: 3 of 1,613,960 alleles (0.00019%); highest among the groups gnomAD compares: African/African-American, 0.004%; no homozygotes.

Submission:

Labcorp Genetics (formerly Invitae), Labcorp
Classification: Uncertain significance. Last evaluated: 2021-02-13. Review status: criteria provided, single submitter. Criteria: Invitae Variant Classification Sherloc (09022015). Collection method: clinical testing. Allele origin: germline.
Comment: In summary, the available evidence is currently insufficient to determine the role of this variant in disease. Therefore, it has been classified as a Variant of Uncertain Significance. Algorithms developed to predict the effect of missense changes on protein structure and function are either unavailable or do not agree on the potential impact of this missense change (SIFT: "Deleterious"; PolyPhen-2: "Benign"; Align-GVGD: "Class C15"). This variant has not been reported in the literature in individuals with VCAN-related conditions. This variant is present in population databases (rs749179761, ExAC 0.01%). This sequence change replaces threonine with isoleucine at codon 3065 of the VCAN protein (p.Thr3065Ile). The threonine residue is highly conserved and there is a moderate physicochemical difference between threonine and isoleucine.